The following is an entry in ClinVar:

NM_001165963.4(SCN1A):c.5183G>A (p.Gly1728Glu)

Genes: SCN1A (sodium voltage-gated channel alpha subunit 1; minus strand), LOC102724058 (uncharacterized LOC102724058; plus strand). Cytogenetic location: 2q24.3.
Variant type: single nucleotide variant.
Coding change: c.5183G>A on transcript NM_001165963.4 (MANE Select); coding-DNA position 5183, G replaced by A.
Protein change: p.Gly1728Glu; replaces glycine 1728 with glutamic acid.
Molecular consequence: missense variant. On other transcripts: non-coding transcript variant (1).
Genome position (GRCh38, 1-based): chr2:165,992,092, C>T on the plus strand (G>A on the coding strand, the complement: SCN1A is on the minus strand). VCF-style: chr2-165992092-C-T. GRCh37 (hg19) VCF-style: chr2-166848602-C-T.
Other names: c.5099G>A, p.Gly1700Glu (NM_001165964.3, NM_001353957.2, NM_001353958.2); c.5183G>A, p.Gly1728Glu (NM_001202435.3, NM_001353948.2); c.5150G>A, p.Gly1717Glu (NM_001353949.2, NM_001353950.2, NM_001353951.2 and 2 more transcripts); c.5147G>A, p.Gly1716Glu (NM_001353954.2, NM_001353955.2); c.5096G>A, p.Gly1699Glu (NM_001353960.2); c.2741G>A, p.Gly914Glu (NM_001353961.2); short protein forms G1699E, G1716E, G914E, G1717E, G1700E, G1728E.
Identifiers: ClinVar variation 1457744 (VCV001457744.9), dbSNP rs2105431330, ClinGen allele CA349068731.

ClinVar aggregate classification (germline): Pathogenic (1 of 4 stars; one submission).

Conditions:
Early-infantile DEE. Also called: Early infantile epileptic encephalopathy; Ohtahara syndrome; Early infantile epileptic encephalopathy with suppression bursts. Identifiers: Orphanet 1934, MedGen C0393706, MONDO:0800491.

Submission:

Labcorp Genetics (formerly Invitae), Labcorp
Classification: Pathogenic for Early-infantile DEE. Last evaluated: 2021-03-12. Review status: criteria provided, single submitter. Criteria: Invitae Variant Classification Sherloc (09022015). Collection method: clinical testing. Allele origin: germline.
Comment: For these reasons, this variant has been classified as Pathogenic. Advanced modeling of protein sequence and biophysical properties (such as structural, functional, and spatial information, amino acid conservation, physicochemical variation, residue mobility, and thermodynamic stability) performed at Invitae indicates that this missense variant is expected to disrupt SCN1A protein function. This sequence change replaces glycine with glutamic acid at codon 1728 of the SCN1A protein (p.Gly1728Glu). The glycine residue is highly conserved and there is a moderate physicochemical difference between glycine and glutamic acid. This variant is not present in population databases (ExAC no frequency). This variant has been observed in individual(s) with SCN1A-related conditions (PMID: 30619928). In at least one individual the variant was observed to be de novo.

Literature cited by the submitters: PubMed 30619928.